The following is an entry in ClinVar:

ClinVar aggregate classification (germline): Pathogenic/Likely pathogenic. Review status: criteria provided, multiple submitters, no conflicts (2 of 4 stars). 2 submissions from 2 submitters: Pathogenic (1); Likely pathogenic (1). Last evaluated 2025-11-18.

Conditions:
Epidermolysis bullosa dystrophica. Also called: Dystrophic epidermolysis bullosa, Hallopeau-Siemens type (formerly); Dystrophic epidermolysis bullosa. Identifiers: Orphanet 303, MedGen C0079294, MONDO:0006543.
Recessive dystrophic epidermolysis bullosa (RDEB). Also called: Epidermolysis Bullosa Distrophica Autosomal Recessive (RDEB); severe generalized recessive dystrophic epidermolysis bullosa; epidermolysis bullosa dystrophica, autosomal recessive; DYSTROPHIC EPIDERMOLYSIS BULLOSA, AUTOSOMAL RECESSIVE; EPIDERMOLYSIS BULLOSA DYSTROPHICA, HALLOPEAU-SIEMENS TYPE; Hallopeau-Siemens Disease. Identifiers: Orphanet 79408, Orphanet 79409, MedGen C0079474, MONDO:0009179, OMIM 226600.

Submissions (2):

Natera, Inc.
Classification: Likely pathogenic for Dystrophic epidermolysis bullosa. Last evaluated: 2025-11-18. Review status: criteria provided, single submitter. Criteria: Natera Variant Classification Schema (03/2026). Collection method: clinical testing. Allele origin: germline.
Comment: The c.5486delC variant in COL7A1 is a frameshift variant predicted to shift the reading frame beginning at codon 1829 and leads to a stop codon 12 codons downstream. This variant is expected to result in nonsense mediated decay, truncation, or a dysfunctional protein product. This variant is rare in the general population with a frequency below the threshold expected for the associated phenotype(s). Given the available evidence, this variant is classified as Likely Pathogenic.

Myriad Genetics, Inc.
Classification: Pathogenic for Recessive dystrophic epidermolysis bullosa. Last evaluated: 2025-09-07. Review status: criteria provided, single submitter. Criteria: Myriad Autosomal Dominant, Autosomal Recessive and X-Linked Classification Criteria (2023). Collection method: clinical testing. Allele origin: unknown.
Comment: NM_000094.3(COL7A1):c.5486delC(P1829Rfs*12) is expected to be pathogenic in the context of dystrophic epidermolysis bullosa. This variant is predicted to lead to an abnormal or absent protein product due to the creation of a premature termination codon in COL7A1, a gene where loss-of-function variants are known to be pathogenic. Please note: this variant was assessed in the context of healthy population screening.

NM_000094.4(COL7A1):c.5486del (p.Pro1829fs)

Gene: COL7A1 (collagen type VII alpha 1 chain; minus strand). Cytogenetic location: 3p21.31.
Variant type: Deletion.
Coding change: c.5486del on transcript NM_000094.4 (MANE Select); coding-DNA position 5486, one base deleted (C; older notation c.5486delC).
Protein change: p.Pro1829fs; shifts the reading frame from proline 1829.
Molecular consequence: frameshift variant.
Genome position (GRCh38, 1-based): chr3:48,578,454, G deleted on the plus strand (C on the coding strand, the reverse complement: COL7A1 is on the minus strand); the first of 2 consecutive G bases (chr3:48,578,454-48,578,455); deleting either gives the same sequence. VCF-style (leftmost placement, unchanged base first): chr3-48578453-CG-C. GRCh37 (hg19) VCF-style: chr3-48615886-CG-C.
Other names: c.5486delC (NM_000094.3); short protein forms P1829fs.
Identifiers: ClinVar variation 4817384 (VCV004817384.2).